The following is an entry in ClinVar:

NM_001368894.2(PAX6):c.934C>A (p.Pro312Thr)

Gene: PAX6 (paired box 6; minus strand). Cytogenetic location: 11p13.
Variant type: single nucleotide variant.
Coding change: c.934C>A on transcript NM_001368894.2 (MANE Select); coding-DNA position 934, C replaced by A.
Protein change: p.Pro312Thr; replaces proline 312 with threonine.
Molecular consequence: missense variant. On other transcripts: non-coding transcript variant (2).
Genome position (GRCh38, 1-based): chr11:31,793,676, G>T on the plus strand (C>A on the coding strand, the complement: PAX6 is on the minus strand). VCF-style: chr11-31793676-G-T. GRCh37 (hg19) VCF-style: chr11-31815224-G-T.
Other names: c.892C>A, p.Pro298Thr (NM_000280.6, NM_001127612.3, NM_001258464.2 and 10 more transcripts); c.934C>A, p.Pro312Thr (NM_001258462.3, NM_001258463.2, NM_001310158.2 and 6 more transcripts); c.484C>A, p.Pro162Thr (NM_001310160.2, NM_001310161.3, NM_001368899.2 and 11 more transcripts); c.1135C>A, p.Pro379Thr (NM_001368910.2); c.937C>A, p.Pro313Thr (NM_001368911.2); c.1009C>A, p.Pro337Thr (NM_001368918.2, NM_001368919.2); c.967C>A, p.Pro323Thr (NM_001368920.2); c.733C>A, p.Pro245Thr (NM_001368921.2, NM_001368922.2, NM_001368923.2 and 4 more transcripts); and 2 more; short protein forms P298T, P97T, P231T, P313T, P337T, P379T, P162T, P245T.
Identifiers: ClinVar variation 4983287 (VCV004983287.1).

ClinVar aggregate classification (germline): Uncertain significance (1 of 4 stars; one submission).

Conditions:
PAX6-related disorder. Also called: PAX6-related disorders; PAX6-related condition.

Submission:

PreventionGenetics, part of Exact Sciences
Classification: Uncertain significance for PAX6-related condition. Last evaluated: 2025-07-31. Review status: criteria provided, single submitter. Criteria: ACMG Guidelines, 2015. Collection method: clinical testing. Allele origin: germline.
Comment: The PAX6 c.934C>A variant is predicted to result in the amino acid substitution p.Pro312Thr. To our knowledge, this variant has not been reported in the literature or in a large population database (gnomAD), indicating this variant is rare. At this time, the clinical significance of this variant is uncertain due to the absence of conclusive functional and genetic evidence.